The following is an entry in ClinVar:

NM_006158.5(NEFL):c.940_945del (p.Ala314_Lys315del)

Gene: NEFL (neurofilament light chain; minus strand). Cytogenetic location: 8p21.2.
Variant type: Deletion.
Coding change: c.940_945del on transcript NM_006158.5 (MANE Select); coding-DNA positions 940 to 945, 6 bases deleted (GCCAAG; older notation c.940_945delGCCAAG).
Protein change: p.Ala314_Lys315del.
Molecular consequence: inframe deletion.
Genome position (GRCh38, 1-based): chr8:24,955,571-24,955,576, CTTGGC deleted on the plus strand (GCCAAG on the coding strand, the reverse complement: NEFL is on the minus strand); deleting any 6 consecutive bases within chr8:24,955,571-24,955,580 gives the same sequence; the c. name uses the placement nearest the transcript's 3' end. VCF-style (leftmost placement, unchanged base first): chr8-24955570-TCTTGGC-T. GRCh37 (hg19) VCF-style: chr8-24813084-TCTTGGC-T.
Identifiers: ClinVar variation 2835758 (VCV002835758.3), dbSNP rs2486885919, ClinGen allele CA2739279271.

ClinVar aggregate classification (germline): Uncertain significance (1 of 4 stars; one submission).

Conditions:
Charcot-Marie-Tooth disease type 2E (CMT2E). Also called: CHARCOT-MARIE-TOOTH DISEASE, AXONAL, TYPE 2E; CHARCOT-MARIE-TOOTH NEUROPATHY, TYPE 2E. Identifiers: Orphanet 99939, MedGen C1843225, MONDO:0011894, OMIM 607684.

Submission:

Labcorp Genetics (formerly Invitae), Labcorp
Classification: Uncertain significance for Charcot-Marie-Tooth disease type 2E. Last evaluated: 2023-02-09. Review status: criteria provided, single submitter. Criteria: Invitae Variant Classification Sherloc (09022015). Collection method: clinical testing. Allele origin: germline.
Comment: In summary, the available evidence is currently insufficient to determine the role of this variant in disease. Therefore, it has been classified as a Variant of Uncertain Significance. Experimental studies and prediction algorithms are not available or were not evaluated, and the functional significance of this variant is currently unknown. This variant has not been reported in the literature in individuals affected with NEFL-related conditions. This variant is not present in population databases (gnomAD no frequency). This variant, c.940_945del, results in the deletion of 2 amino acid(s) of the NEFL protein (p.Ala314_Lys315del), but otherwise preserves the integrity of the reading frame.